The following is an entry in ClinVar:

NM_000702.4(ATP1A2):c.650C>T (p.Thr217Ile)

Genes: ATP1A2 (ATPase Na+/K+ transporting subunit alpha 2; plus strand), LOC126805890 (CDK7 strongly-dependent group 2 enhancer GRCh37_chr1:160093987-160095186; plus strand). Cytogenetic location: 1q23.2.
Variant type: single nucleotide variant.
Coding change: c.650C>T on transcript NM_000702.4 (MANE Select); coding-DNA position 650, C replaced by T.
Protein change: p.Thr217Ile; replaces threonine 217 with isoleucine.
Molecular consequence: missense variant.
Genome position (GRCh38, 1-based): chr1:160,125,155, C>T. VCF-style: chr1-160125155-C-T. GRCh37 (hg19) VCF-style: chr1-160094945-C-T.
Other names: short protein forms T217I.
Identifiers: ClinVar variation 1928120 (VCV001928120.5), dbSNP rs2524859311, ClinGen allele CA343235150.

ClinVar aggregate classification (germline): Uncertain significance (1 of 4 stars; one submission).

Conditions:
Familial hemiplegic migraine. Identifiers: MedGen C0338484, MONDO:0000700.

Submission:

Labcorp Genetics (formerly Invitae), Labcorp
Classification: Uncertain significance for Familial hemiplegic migraine. Last evaluated: 2022-07-18. Review status: criteria provided, single submitter. Criteria: Invitae Variant Classification Sherloc (09022015). Collection method: clinical testing. Allele origin: germline.
Comment: This sequence change replaces threonine, which is neutral and polar, with isoleucine, which is neutral and non-polar, at codon 217 of the ATP1A2 protein (p.Thr217Ile). This variant is not present in population databases (gnomAD no frequency). In summary, the available evidence is currently insufficient to determine the role of this variant in disease. Therefore, it has been classified as a Variant of Uncertain Significance. Advanced modeling of protein sequence and biophysical properties (such as structural, functional, and spatial information, amino acid conservation, physicochemical variation, residue mobility, and thermodynamic stability) performed at Invitae indicates that this missense variant is expected to disrupt ATP1A2 protein function. This variant has not been reported in the literature in individuals affected with ATP1A2-related conditions.